The following is an entry in ClinVar:

NM_001130438.3(SPTAN1):c.2760G>A (p.Lys920=)

Gene: SPTAN1 (spectrin alpha, non-erythrocytic 1; plus strand). Cytogenetic location: 9q34.11.
Variant type: single nucleotide variant.
Coding change: c.2760G>A on transcript NM_001130438.3 (MANE Select); coding-DNA position 2760, G replaced by A.
Protein change: p.Lys920=; no amino-acid change (lysine 920 retained).
Molecular consequence: synonymous variant.
Genome position (GRCh38, 1-based): chr9:128,585,947, G>A. VCF-style: chr9-128585947-G-A. GRCh37 (hg19) VCF-style: chr9-131348226-G-A.
Other names: c.2760G>A, p.Lys920= (NM_001195532.2, NM_001363759.2, NM_001363765.2 and 1 more transcripts).
Identifiers: ClinVar variation 378656 (VCV000378656.12), dbSNP rs773435271, ClinGen allele CA5264704.

ClinVar aggregate classification (germline): Likely benign. Review status: criteria provided, multiple submitters, no conflicts (2 of 4 stars). 2 submissions from 2 submitters: Likely benign (2). Last evaluated 2025-10-07.

Conditions:
Early-infantile DEE. Also called: Early infantile epileptic encephalopathy; Ohtahara syndrome; Early infantile epileptic encephalopathy with suppression bursts. Identifiers: Orphanet 1934, MedGen C0393706, MONDO:0800491.

Allele frequency attached by ClinVar (database versions not stated): ExAC 0.00003; gnomAD exomes 0.00005; gnomAD 0.00008; TOPMed 0.00008.
gnomAD v4.1: 142 of 1,612,620 alleles (0.0088%); highest among the groups gnomAD compares: Non-Finnish European, 0.011%; no homozygotes.

Submissions (2):

Labcorp Genetics (formerly Invitae), Labcorp
Classification: Likely benign for Early-infantile DEE. Last evaluated: 2025-10-07. Review status: criteria provided, single submitter. Criteria: Invitae Variant Classification Sherloc (09022015). Collection method: clinical testing. Allele origin: germline.

GeneDx
Classification: Likely benign. Last evaluated: 2016-12-12. Review status: criteria provided, single submitter. Criteria: GeneDx Variant Classification (06012015). Collection method: clinical testing. Allele origin: germline. Affected: yes.
Comment: This variant is considered likely benign or benign based on one or more of the following criteria: it is a conservative change, it occurs at a poorly conserved position in the protein, it is predicted to be benign by multiple in silico algorithms, and/or has population frequency not consistent with disease.